The following is an entry in ClinVar:

ClinVar aggregate classification (germline): Uncertain significance (1 of 4 stars; one submission).

Conditions:
Hereditary cancer-predisposing syndrome. Also called: Neoplastic Syndromes, Hereditary; Tumor predisposition; Hereditary Cancer Syndrome; Hereditary neoplastic syndrome. Identifiers: Orphanet 140162, MedGen C0027672, MeSH D009386, MONDO:0015356.

Submission:

Color Diagnostics, LLC DBA Color Health
Classification: Uncertain significance for Hereditary cancer-predisposing syndrome. Last evaluated: 2024-09-24. Review status: criteria provided, single submitter. Criteria: ACMG Guidelines, 2015. Collection method: clinical testing. Allele origin: germline.
Comment: This missense variant replaces alanine with aspartic acid at codon 302 of the ATM protein. Computational prediction suggests that this variant may not impact protein structure and function (internally defined REVEL score threshold <= 0.5, PMID: 27666373). To our knowledge, functional studies have not been reported for this variant. This variant has not been reported in individuals affected with ATM-related disorders in the literature. This variant has not been identified in the general population by the Genome Aggregation Database (gnomAD). The available evidence is insufficient to determine the role of this variant in disease conclusively. Therefore, this variant is classified as a Variant of Uncertain Significance.

NM_000051.4(ATM):c.905C>A (p.Ala302Asp)

Gene: ATM (ATM serine/threonine kinase; plus strand). Cytogenetic location: 11q22.3.
Variant type: single nucleotide variant.
Coding change: c.905C>A on transcript NM_000051.4 (MANE Select); coding-DNA position 905, C replaced by A.
Protein change: p.Ala302Asp; replaces alanine 302 with aspartic acid.
Molecular consequence: missense variant.
Genome position (GRCh38, 1-based): chr11:108,246,967, C>A. VCF-style: chr11-108246967-C-A. GRCh37 (hg19) VCF-style: chr11-108117694-C-A.
Other names: c.905C>A, p.Ala302Asp (NM_001351834.2); short protein forms A302D.
Identifiers: ClinVar variation 3894084 (VCV003894084.1).
Genomic context (GRCh38, chr11:108,246,967, plus strand): 5'-TAGCAGTGTAAACAGAGTACATACATAAAAATTACATTTTAATTTTTTGGATTACAGGTG[C>A]TTATGAATCAACAAAATGGAGAAGTATTTTATACAACTTATATGATCTGCTAGTGAATGA-3'
Protein context (NP_000042.3, residues 292-312): PKGAKTQEKG[Ala302Asp]YESTKWRSIL